The following is an entry in ClinVar:

NM_002439.5(MSH3):c.1477G>A (p.Val493Ile)

Gene: MSH3 (mutS homolog 3; plus strand). Cytogenetic location: 5q14.1.
Variant type: single nucleotide variant.
Coding change: c.1477G>A on transcript NM_002439.5 (MANE Select); coding-DNA position 1477, G replaced by A.
Protein change: p.Val493Ile; replaces valine 493 with isoleucine.
Molecular consequence: missense variant.
Genome position (GRCh38, 1-based): chr5:80,728,874, G>A. VCF-style: chr5-80728874-G-A. GRCh37 (hg19) VCF-style: chr5-80024693-G-A.
Other names: short protein forms V493I.
Identifiers: ClinVar variation 1036821 (VCV001036821.4), dbSNP rs754870896, ClinGen allele CA3327935.
Genomic context (GRCh38, chr5:80,728,874, plus strand): 5'-GAATTTTTATAACAAGTTAATATATTCTGTTTTCTAGGTTCTCAAATTATTTCTGGCATT[G>A]TTAACTTAGAGAAGCCTGTGATTTGCTCTTTGGCTGCCATCATAAAATACCTCAAAGAAT-3'
Protein context (NP_002430.3, residues 483-503): IKGSQIISGI[Val493Ile]NLEKPVICSL

ClinVar aggregate classification (germline): Uncertain significance (1 of 4 stars; one submission).

Allele frequency attached by ClinVar (database versions not stated): gnomAD exomes below 0.00001; ExAC 0.00001.
gnomAD v4.1: 2 of 1,604,554 alleles (0.00012%); highest among the groups gnomAD compares: South Asian, 0.0022%; no homozygotes.

Submission:

Labcorp Genetics (formerly Invitae), Labcorp
Classification: Uncertain significance. Last evaluated: 2025-01-06. Review status: criteria provided, single submitter. Criteria: Invitae Variant Classification Sherloc (09022015). Collection method: clinical testing. Allele origin: germline.
Comment: This sequence change replaces valine, which is neutral and non-polar, with isoleucine, which is neutral and non-polar, at codon 493 of the MSH3 protein (p.Val493Ile). This variant is present in population databases (rs754870896, gnomAD 0.003%). This variant has not been reported in the literature in individuals affected with MSH3-related conditions. ClinVar contains an entry for this variant (Variation ID: 1036821). An algorithm developed to predict the effect of missense changes on protein structure and function outputs the following: PolyPhen-2: "Benign". The isoleucine amino acid residue is found in multiple mammalian species, which suggests that this missense change does not adversely affect protein function. In summary, the available evidence is currently insufficient to determine the role of this variant in disease. Therefore, it has been classified as a Variant of Uncertain Significance.